The following is an entry in ClinVar:

NM_004706.4(ARHGEF1):c.962C>G (p.Thr321Ser)

Gene: ARHGEF1 (Rho guanine nucleotide exchange factor 1; plus strand). Cytogenetic location: 19q13.2.
Variant type: single nucleotide variant.
Coding change: c.962C>G on transcript NM_004706.4 (MANE Select); coding-DNA position 962, C replaced by G.
Protein change: p.Thr321Ser; replaces threonine 321 with serine.
Molecular consequence: missense variant. On other transcripts: non-coding transcript variant (2).
Genome position (GRCh38, 1-based): chr19:41,895,433, C>G. VCF-style: chr19-41895433-C-G. GRCh37 (hg19) VCF-style: chr19-42399506-C-G.
Other names: c.962C>G, p.Thr321Ser (NM_001396000.1, NM_001396003.1, NM_001396006.1); c.863C>G, p.Thr288Ser (NM_001396002.1, NM_001396004.1, NM_198977.2); c.1007C>G, p.Thr336Ser (NM_199002.2); short protein forms T336S, T288S, T321S.
Identifiers: ClinVar variation 2798384 (VCV002798384.3), dbSNP rs782450330, ClinGen allele CA406054798.

ClinVar aggregate classification (germline): Uncertain significance (1 of 4 stars; one submission).

gnomAD v4.1: 1 of 1,612,592 alleles (0.000062%); highest among the groups gnomAD compares: Non-Finnish European, 0.000085%; no homozygotes.

Submission:

Labcorp Genetics (formerly Invitae), Labcorp
Classification: Uncertain significance. Last evaluated: 2023-10-05. Review status: criteria provided, single submitter. Criteria: Invitae Variant Classification Sherloc (09022015). Collection method: clinical testing. Allele origin: germline.
Comment: This sequence change replaces threonine, which is neutral and polar, with serine, which is neutral and polar, at codon 336 of the ARHGEF1 protein (p.Thr336Ser). This variant is not present in population databases (gnomAD no frequency). This variant has not been reported in the literature in individuals affected with ARHGEF1-related conditions. Algorithms developed to predict the effect of missense changes on protein structure and function output the following: SIFT: "Not Available"; PolyPhen-2: "Benign"; Align-GVGD: "Not Available". The serine amino acid residue is found in multiple mammalian species, which suggests that this missense change does not adversely affect protein function. In summary, the available evidence is currently insufficient to determine the role of this variant in disease. Therefore, it has been classified as a Variant of Uncertain Significance.